The following is an entry in ClinVar:

NM_000051.4(ATM):c.7764dup (p.Lys2589Ter)

Genes: ATM (ATM serine/threonine kinase; plus strand), C11orf65 (chromosome 11 open reading frame 65; minus strand). Cytogenetic location: 11q22.3.
Variant type: Duplication.
Coding change: c.7764dup on transcript NM_000051.4 (MANE Select); coding-DNA position 7764, one base duplicated (T; older notation c.7764dupT).
Protein change: p.Lys2589Ter; replaces lysine 2589 with a stop codon.
Molecular consequence: nonsense. On other transcripts: frameshift variant (1), intron variant (2).
Genome position (GRCh38, 1-based): chr11:108,332,013, T duplicated. VCF-style (leftmost placement, unchanged base first): chr11-108332012-C-CT. GRCh37 (hg19) VCF-style: chr11-108202739-C-CT.
Other names: c.7764dupT (NM_000051.3); c.7764dup, p.Lys2589Ter (NM_001351834.2); c.641-22942dup (NM_001330368.2); c.*38+3207dup (NM_001351110.2); short protein forms K2589*.
Identifiers: ClinVar variation 654460 (VCV000654460.33), dbSNP rs1591172641, ClinGen allele CA915948296.

ClinVar aggregate classification (germline): Pathogenic. Review status: criteria provided, multiple submitters, no conflicts (2 of 4 stars). 6 submissions from 6 submitters: Pathogenic (5). 1 of the submissions does not count toward it. Last evaluated 2025-04-04.

Conditions:
Familial cancer of breast. Also called: Hereditary breast cancer; BREAST CANCER, FAMILIAL; hereditary breast carcinoma. Identifiers: Orphanet 227535, MedGen C0346153, MONDO:0016419, OMIM 114480. Disease mechanism: loss of function.
Hereditary cancer-predisposing syndrome. Also called: Tumor predisposition; Hereditary neoplastic syndrome; Neoplastic Syndromes, Hereditary; Hereditary Cancer Syndrome. Identifiers: Orphanet 140162, MedGen C0027672, MeSH D009386, MONDO:0015356.
Ataxia-telangiectasia syndrome (AT). Also called: Ataxia-telangiectasia, complementation group D; AT, COMPLEMENTATION GROUP C; ATAXIA-TELANGIECTASIA, COMPLEMENTATION GROUP A; ATAXIA-TELANGIECTASIA, FRESNO VARIANT; Ataxia-telangiectasia; LOUIS-BAR SYNDROME. Identifiers: Orphanet 100, MedGen C0004135, MONDO:0008840, OMIM 208900.

Allele frequency attached by ClinVar (database versions not stated): gnomAD exomes below 0.00001.

Submissions (6):

Labcorp Genetics (formerly Invitae), Labcorp
Classification: Pathogenic for Ataxia-telangiectasia syndrome. Last evaluated: 2025-04-04. Review status: criteria provided, single submitter. Criteria: Invitae Variant Classification Sherloc (09022015). Collection method: clinical testing. Allele origin: germline.
Comment: This sequence change creates a premature translational stop signal (p.Lys2589*) in the ATM gene. It is expected to result in an absent or disrupted protein product. Loss-of-function variants in ATM are known to be pathogenic (PMID: 23807571, 25614872). This variant is not present in population databases (gnomAD no frequency). This variant has not been reported in the literature in individuals affected with ATM-related conditions. ClinVar contains an entry for this variant (Variation ID: 654460). Algorithms developed to predict the effect of sequence changes on RNA splicing suggest that this variant may disrupt the consensus splice site. For these reasons, this variant has been classified as Pathogenic.

Ambry Genetics
Classification: Pathogenic for Hereditary cancer-predisposing syndrome. Last evaluated: 2024-09-27. Review status: criteria provided, single submitter. Criteria: Ambry Variant Classification Scheme 2023. Collection method: clinical testing. Allele origin: germline.
Comment: The c.7764dupT pathogenic mutation, located in coding exon 51 of the ATM gene, results from a duplication of T at nucleotide position 7764, causing a translational frameshift with a predicted alternate stop codon (p.K2589*). This variant is considered to be rare based on population cohorts in the Genome Aggregation Database (gnomAD). This alteration is expected to result in loss of function by premature protein truncation or nonsense-mediated mRNA decay. As such, this alteration is interpreted as a disease-causing mutation.

Myriad Genetics, Inc.
Classification: Pathogenic for Familial cancer of breast. Last evaluated: 2024-01-31. Review status: criteria provided, single submitter. Criteria: Myriad Autosomal Dominant, Autosomal Recessive and X-Linked Classification Criteria (2023). Collection method: clinical testing. Allele origin: unknown.
Comment: This variant is considered pathogenic. This variant creates a termination codon and is predicted to result in premature protein truncation.

Clinical Genetics Laboratory, Skane University Hospital Lund
Classification: Pathogenic. Last evaluated: 2023-01-10. Review status: criteria provided, single submitter. Criteria: ACMG Guidelines, 2015. Collection method: clinical testing. Allele origin: germline. Affected: yes.

Color Diagnostics, LLC DBA Color Health
Classification: Pathogenic for Hereditary cancer-predisposing syndrome. Last evaluated: 2020-03-23. Review status: criteria provided, single submitter. Criteria: ACMG Guidelines, 2015. Collection method: clinical testing. Allele origin: germline.
Comment: This variant inserts 1 nucleotide in exon 52 of the ATM gene, creating a frameshift and premature translation stop signal. This variant is expected to result in an absent or non-functional protein product. To our knowledge, this variant has not been reported in individuals affected with hereditary cancer in the literature. This variant has not been identified in the general population by the Genome Aggregation Database (gnomAD). Loss of ATM function is a known mechanism of disease. Based on the available evidence, this variant is classified as Pathogenic.

BRCAlab, Lund University
Classification: Pathogenic for Familial cancer of breast. Last evaluated: 2022-08-26. Review status: no assertion criteria provided. Collection method: clinical testing. Allele origin: germline. Affected: yes. Not counted in ClinVar's aggregate classification.

Literature cited by the submitters: PubMed 23807571 (cited by Labcorp Genetics (formerly Invitae), Labcorp); PubMed 25614872 (cited by Labcorp Genetics (formerly Invitae), Labcorp).